The following is an entry in ClinVar:

ClinVar aggregate classification (germline): Uncertain significance (1 of 4 stars; one submission).

Allele frequency attached by ClinVar (database versions not stated): TOPMed below 0.00001.
gnomAD v4.1: 6 of 1,612,906 alleles (0.00037%); highest among the groups gnomAD compares: Non-Finnish European, 0.00051%; no homozygotes.

Submission:

Labcorp Genetics (formerly Invitae), Labcorp
Classification: Uncertain significance. Last evaluated: 2022-05-19. Review status: criteria provided, single submitter. Criteria: Invitae Variant Classification Sherloc (09022015). Collection method: clinical testing. Allele origin: germline.
Comment: In summary, the available evidence is currently insufficient to determine the role of this variant in disease. Therefore, it has been classified as a Variant of Uncertain Significance. Algorithms developed to predict the effect of missense changes on protein structure and function are either unavailable or do not agree on the potential impact of this missense change (SIFT: "Deleterious"; PolyPhen-2: "Benign"; Align-GVGD: "Class C0"). This variant has not been reported in the literature in individuals affected with HPSE2-related conditions. This variant is present in population databases (no rsID available, gnomAD 0.0009%). This sequence change replaces lysine, which is basic and polar, with asparagine, which is neutral and polar, at codon 538 of the HPSE2 protein (p.Lys538Asn).

NM_021828.5(HPSE2):c.1614G>T (p.Lys538Asn)

Gene: HPSE2 (heparanase 2 (inactive); minus strand). Cytogenetic location: 10q24.2.
Variant type: single nucleotide variant.
Coding change: c.1614G>T on transcript NM_021828.5 (MANE Select); coding-DNA position 1614, G replaced by T.
Protein change: p.Lys538Asn; replaces lysine 538 with asparagine.
Molecular consequence: missense variant. On other transcripts: 3 prime UTR variant (1).
Genome position (GRCh38, 1-based): chr10:98,459,739, C>A on the plus strand (G>T on the coding strand, the complement: HPSE2 is on the minus strand). VCF-style: chr10-98459739-C-A. GRCh37 (hg19) VCF-style: chr10-100219496-C-A.
Other names: c.1440G>T, p.Lys480Asn (NM_001166244.1); c.1278G>T, p.Lys426Asn (NM_001166245.1); c.*37G>T (NM_001166246.1); short protein forms K480N, K538N, K426N.
Identifiers: ClinVar variation 1996621 (VCV001996621.4), dbSNP rs1237549253, ClinGen allele CA378060590.
Genomic context (GRCh38, chr10:98,459,739, plus strand): 5'-CAATTCTGGGAGGGTCCCGTCGTCCACCATCACTAAGGGCTGGCCATTCAGTTGCACTGA[C>A]CTACAGTGAGGAAAAACAGTATGGGACTCATTATTGCATTATAAGGGAGCCACTGCAACA-3'
Protein context (NP_068600.4, residues 528-548): QPYGQEGLKS[Lys538Asn]SVQLNGQPLV